The following is an entry in ClinVar:

ClinVar aggregate classification (germline): Uncertain significance. Review status: criteria provided, multiple submitters, no conflicts (2 of 4 stars). 2 submissions from 2 submitters: Uncertain significance (2). Last evaluated 2026-07-06.

Conditions:
Hereditary cancer-predisposing syndrome. Also called: Hereditary neoplastic syndrome; Hereditary Cancer Syndrome; Neoplastic Syndromes, Hereditary; Tumor predisposition. Identifiers: Orphanet 140162, MedGen C0027672, MeSH D009386, MONDO:0015356.

Submissions (2):

Ambry Genetics
Classification: Uncertain significance for Hereditary cancer-predisposing syndrome. Last evaluated: 2026-07-06. Review status: criteria provided, single submitter. Criteria: Ambry Variant Classification Scheme 2023. Collection method: clinical testing. Allele origin: germline.
Comment: The p.P2338L variant (also known as c.7013C>T), located in coding exon 15 of the APC gene, results from a C to T substitution at nucleotide position 7013. The proline at codon 2338 is replaced by leucine, an amino acid with similar properties. This amino acid position is conserved. In addition, in silico predictors for this gene do not accurately predict pathogenicity. Based on the available evidence, the clinical significance of this variant remains unclear.

GeneDx
Classification: Uncertain significance. Last evaluated: 2023-04-17. Review status: criteria provided, single submitter. Criteria: GeneDx Variant Classification Process June 2021. Collection method: clinical testing. Allele origin: germline. Affected: yes.
Comment: Not observed at significant frequency in large population cohorts (gnomAD); In silico analysis supports that this missense variant has a deleterious effect on protein structure/function; Has not been previously published as pathogenic or benign to our knowledge; This variant is associated with the following publications: (PMID: 18199528)

NM_000038.6(APC):c.7013C>T (p.Pro2338Leu)

Gene: APC (APC regulator of Wnt signaling pathway; plus strand). Cytogenetic location: 5q22.2.
Variant type: single nucleotide variant.
Coding change: c.7013C>T on transcript NM_000038.6 (MANE Select); coding-DNA position 7013, C replaced by T.
Protein change: p.Pro2338Leu; replaces proline 2338 with leucine.
Molecular consequence: missense variant. On other transcripts: non-coding transcript variant (2).
Genome position (GRCh38, 1-based): chr5:112,842,607, C>T. VCF-style: chr5-112842607-C-T. GRCh37 (hg19) VCF-style: chr5-112178304-C-T.
Other names: c.7013C>T, p.Pro2338Leu (NM_001127510.3, NM_001354895.2, NM_001407450.1); c.6959C>T, p.Pro2320Leu (NM_001127511.3); c.7067C>T, p.Pro2356Leu (NM_001354896.2, NM_001407447.1, NM_001407448.1 and 1 more transcripts); c.7043C>T, p.Pro2348Leu (NM_001354897.2); c.6938C>T, p.Pro2313Leu (NM_001354898.2); c.6929C>T, p.Pro2310Leu (NM_001354899.2); c.6890C>T, p.Pro2297Leu (NM_001354900.2); c.6836C>T, p.Pro2279Leu (NM_001354901.2, NM_001407453.1); and 11 more; short protein forms P1954L, P2055L, P2178L, P2209L, P2212L, P2237L, P2247L, P2255L.
Identifiers: ClinVar variation 2663585 (VCV002663585.2), dbSNP rs1060503377, ClinGen allele CA16036621.